The following is an entry in ClinVar:

ClinVar aggregate classification (germline): Conflicting classifications of pathogenicity. Review status: criteria provided, conflicting classifications (1 of 4 stars). 3 submissions from 3 submitters: Likely pathogenic (1); Likely benign (2). Last evaluated 2025-11-06.

Conditions:
Tip-toe gait. Also called: Toe walking. Identifiers: MedGen C0427144, HP:0030051.

Submissions (3):

Mayo Clinic Laboratories, Mayo Clinic
Classification: Likely benign. Last evaluated: 2025-11-06. Review status: criteria provided, single submitter. Criteria: ACMG Guidelines, 2015. Collection method: clinical testing. Allele origin: germline. Observed: 5 variant alleles.
Comment: BP4, BP7

GeneDx
Classification: Likely benign. Last evaluated: 2023-06-07. Review status: criteria provided, single submitter. Criteria: GeneDx Variant Classification Process June 2021. Collection method: clinical testing. Allele origin: germline. Affected: yes.
Comment: See Variant Classification Assertion Criteria.

Practice for Gait Abnormalities, David Pomarino, Competency Network Toe Walking C/o Practice Pomarino
Classification: Likely pathogenic for Tip-toe gait. Last evaluated: 2020-11-12. Review status: criteria provided, single submitter. Criteria: Pomarino et al. (Glob Med Genet. 2026). Collection method: clinical testing. Allele origin: germline. Affected: yes.

NM_002972.4(SBF1):c.-21_-3del

Gene: SBF1 (SET binding factor 1; minus strand). Cytogenetic location: 22q13.33.
Variant type: Deletion.
Coding change: c.-21_-3del on transcript NM_002972.4 (MANE Select); 21 bases upstream of the start codon through 3 bases upstream of the start codon, 19 bases deleted (GGCCGCCCCGCGTCCCTCG).
Molecular consequence: 5 prime UTR variant.
Genome position (GRCh38, 1-based): chr22:50,474,843-50,474,861, CGAGGGACGCGGGGCGGCC deleted on the plus strand (GGCCGCCCCGCGTCCCTCG on the coding strand, the reverse complement: SBF1 is on the minus strand); deleting any 19 consecutive bases within chr22:50,474,843-50,474,867 gives the same sequence; the c. name uses the placement nearest the transcript's 3' end. VCF-style (leftmost placement, unchanged base first): chr22-50474842-GCGAGGGACGCGGGGCGGCC-G. GRCh37 (hg19) VCF-style: chr22-50913271-GCGAGGGACGCGGGGCGGCC-G.
Other names: c.-21_-3del (NM_001365819.1); c.-21_-3del19 (NM_002972.3).
Identifiers: ClinVar variation 1193479 (VCV001193479.5), dbSNP rs774980387, ClinGen allele CA10318277.
Genomic context (GRCh38, chr22:50,474,842, plus strand): 5'-TCACCGCGCGGGTGCGGCCCGAACGCCACCAGCACGAAGTAGTCCGCGAGCCGCGCCATG[GCGAGGGACGCGGGGCGGCC>G]CGAGGGGCGCGGGCGGGCTCCGCGGCTCGGGGACTCGAGGACGGCGCGCTCATGGCCCGG-3'